The following is an entry in ClinVar:

ClinVar aggregate classification (germline): Conflicting classifications of pathogenicity. Review status: criteria provided, conflicting classifications (1 of 4 stars). 8 submissions from 7 submitters: Uncertain significance (3); Benign (1); Likely benign (3). 1 of the submissions does not count toward it. Last evaluated 2025-11-03.

Conditions:
Wolfram syndrome 1 (WFS1). Identifiers: Orphanet 3463, MedGen C4551693, MONDO:0009101, OMIM 222300.
WFS1-related disorder. Identifiers: MedGen CN379391, MONDO:0700293.
WFS1-Related Spectrum Disorders.
Autosomal dominant nonsyndromic hearing loss 6 (LFSNHL). Also called: Autosomal dominant nonsyndromic deafness 6; DEAFNESS, AUTOSOMAL DOMINANT 6; DEAFNESS, AUTOSOMAL DOMINANT 14; DEAFNESS, AUTOSOMAL DOMINANT 38. Identifiers: Orphanet 90635, MedGen C1833021, MONDO:0010963, OMIM 600965.

Allele frequency attached by ClinVar (database versions not stated): gnomAD 0.00006 and 0.00007; TOPMed 0.00011; ExAC 0.00014; gnomAD exomes 0.00015; ESP Exome Variant Server 0.00023.
gnomAD v4.1: 235 of 1,612,510 alleles (0.015%); highest among the groups gnomAD compares: Admixed American, 0.033%; no homozygotes.

Submissions (8):

Labcorp Genetics (formerly Invitae), Labcorp
Classification: Likely benign. Last evaluated: 2025-11-03. Review status: criteria provided, single submitter. Criteria: Invitae Variant Classification Sherloc (09022015). Collection method: clinical testing. Allele origin: germline.

Blueprint Genetics
Classification: Uncertain significance. Last evaluated: 2024-10-23. Review status: criteria provided, single submitter. Criteria: ACMG Guidelines, 2015. Collection method: clinical testing. Allele origin: germline.

CeGaT Center for Human Genetics Tuebingen
Classification: Likely benign. Last evaluated: 2023-03-01. Review status: criteria provided, single submitter. Criteria: CeGaT Center For Human Genetics Tuebingen Variant Classification Criteria Version 2. Collection method: clinical testing. Allele origin: germline. Affected: yes. Observed: 1 variant allele.
Comment: WFS1: BP4, BP7

GeneDx
Classification: Likely benign. Last evaluated: 2019-11-14. Review status: criteria provided, single submitter. Criteria: GeneDx Variant Classification Process June 2021. Collection method: clinical testing. Allele origin: germline. Affected: yes.

Illumina Laboratory Services, Illumina
Classification: Uncertain significance for Autosomal dominant nonsyndromic hearing loss 6. Last evaluated: 2017-04-27. Review status: criteria provided, single submitter. Criteria: ICSL Variant Classification Criteria 13 December 2019. Collection method: clinical testing. Allele origin: germline.

Illumina Laboratory Services, Illumina
Classification: Uncertain significance for WFS1-Related Spectrum Disorders. Last evaluated: 2017-04-27. Review status: criteria provided, single submitter. Criteria: ICSL Variant Classification Criteria 13 December 2019. Collection method: clinical testing. Allele origin: germline.

Clinical Genomics, Uppaluri K&H Personalized Medicine Clinic
Classification: Benign for Wolfram syndrome 1. Review status: criteria provided, single submitter. Criteria: K & H Uppaluri Personalized Medicine Clinic Variant Classification & Assertion Criteria_Updated V.1. Collection method: research. Allele origin: unknown. Inheritance: Autosomal recessive inheritance.
Comment: Potent mutations in WFS1 gene are associated with Wolfram's syndrome, an autosomal recessive condition, which cause diabetes mellitus, diabetes insipidus, deafness and optic atrophy. However no sufficient evidence is found to ascertain the role of this particular variant rs141020933 in Wolfram's syndrome yet.

PreventionGenetics, part of Exact Sciences
Classification: Likely benign for WFS1-related condition. Last evaluated: 2023-10-04. Review status: no assertion criteria provided. Collection method: clinical testing. Allele origin: germline. Not counted in ClinVar's aggregate classification.
Comment: This variant is classified as likely benign based on ACMG/AMP sequence variant interpretation guidelines (Richards et al. 2015 PMID: 25741868, with internal and published modifications).

Literature cited by the submitters: PubMed 20738327 (cited by Clinical Genomics, Uppaluri K&H Personalized Medicine Clinic); PubMed 33879153 (cited by Clinical Genomics, Uppaluri K&H Personalized Medicine Clinic); PubMed 12955714 (cited by Clinical Genomics, Uppaluri K&H Personalized Medicine Clinic); PubMed 18060660 (cited by Clinical Genomics, Uppaluri K&H Personalized Medicine Clinic); PubMed 20301750 (cited by Clinical Genomics, Uppaluri K&H Personalized Medicine Clinic); PubMed 17603484 (cited by Clinical Genomics, Uppaluri K&H Personalized Medicine Clinic).

NM_006005.3(WFS1):c.2208C>T (p.Gly736=)

Gene: WFS1 (wolframin ER transmembrane glycoprotein; plus strand). Cytogenetic location: 4p16.1.
Variant type: single nucleotide variant.
Coding change: c.2208C>T on transcript NM_006005.3 (MANE Select); coding-DNA position 2208, C replaced by T.
Protein change: p.Gly736=; no amino-acid change (glycine 736 retained).
Molecular consequence: synonymous variant.
Genome position (GRCh38, 1-based): chr4:6,302,003, C>T. VCF-style: chr4-6302003-C-T. GRCh37 (hg19) VCF-style: chr4-6303730-C-T.
Other names: c.2208C>T, p.Gly736= (NM_001145853.1).
Identifiers: ClinVar variation 516851 (VCV000516851.41), dbSNP rs141020933, ClinGen allele CA2839645.
Genomic context (GRCh38, chr4:6,302,003, plus strand): 5'-CGAGTCTGCCATCAACATGCTCCCGTTCTTCATCGGCGACTGGATGCGCTGCCTCTACGG[C>T]GAGGCCTACCCTGCCTGCAGCCCTGGCAACACCTCCACGGCCGAGGAGGAGCTCTGTCGC-3'
Protein context (NP_005996.2, residues 726-746): FIGDWMRCLY[Gly736=]EAYPACSPGN